The following is an entry in ClinVar:

NM_000183.3(HADHB):c.1061+3_1061+4dup

Gene: HADHB (hydroxyacyl-CoA dehydrogenase trifunctional multienzyme complex subunit beta; plus strand). Cytogenetic location: 2p23.3.
Variant type: Duplication.
Coding change: c.1061+3_1061+4dup on transcript NM_000183.3 (MANE Select); bases 3 to 4 of the intron after coding-DNA position 1061, 2 bases duplicated (AG; older notation c.1061+3_1061+4dupAG).
Molecular consequence: intron variant.
Genome position (GRCh38, 1-based): chr2:26,283,054-26,283,055, AG duplicated. VCF-style (leftmost placement, unchanged base first): chr2-26283053-T-TAG. GRCh37 (hg19) VCF-style: chr2-26505921-T-TAG.
Other names: c.995+3_995+4dup (NM_001281513.2); c.1016+3_1016+4dup (NM_001281512.2).
Identifiers: ClinVar variation 4074546 (VCV004074546.1).
Genomic context (GRCh38, chr2:26,283,053, plus strand): 5'-TTTTTACCTAGGGATTTTATGTATGTGTCTCAGGATCCAAAAGATCAACTATTACTTGGG[T>TAG]AGGTAGCAGTTTGTATCCTTGGACTATAATCACAAGTATTTGATTGCCTATGTTTTATTA-3'

ClinVar aggregate classification (germline): Uncertain significance (1 of 4 stars; one submission).

Submission:

GeneDx
Classification: Uncertain significance. Last evaluated: 2025-02-07. Review status: criteria provided, single submitter. Criteria: GeneDx Variant Classification Process June 2021. Collection method: clinical testing. Allele origin: germline. Affected: yes.
Comment: Not observed at significant frequency in large population cohorts (gnomAD); Intronic +5 splice site variant in a gene for which loss of function is a known mechanism of disease, and both splice predictors and evolutionary conservation support a deleterious effect, although in the absence of functional evidence the actual effect of this sequence change is unknown.; Has not been previously published as pathogenic or benign to our knowledge